The following is an entry in ClinVar:

NM_181712.5(KANK4):c.487T>C (p.Ser163Pro)

Gene: KANK4 (KN motif and ankyrin repeat domains 4; minus strand). Cytogenetic location: 1p31.3.
Variant type: single nucleotide variant.
Coding change: c.487T>C on transcript NM_181712.5 (MANE Select); coding-DNA position 487, T replaced by C.
Protein change: p.Ser163Pro; replaces serine 163 with proline.
Molecular consequence: missense variant. On other transcripts: intron variant (1).
Genome position (GRCh38, 1-based): chr1:62,274,617, A>G on the plus strand (T>C on the coding strand, the complement: KANK4 is on the minus strand). VCF-style: chr1-62274617-A-G. GRCh37 (hg19) VCF-style: chr1-62740289-A-G.
Other names: c.17-3028T>C (NM_001320269.2); short protein forms S163P.
Identifiers: ClinVar variation 3531724 (VCV003531724.3).

ClinVar aggregate classification (germline): Uncertain significance. Review status: criteria provided, multiple submitters, no conflicts (2 of 4 stars). 2 submissions from 2 submitters: Uncertain significance (2). Last evaluated 2024-11-28.

gnomAD v4.1: 2 of 1,614,010 alleles (0.00012%); highest among the groups gnomAD compares: East Asian, 0.0045%; no homozygotes.

Submissions (2):

Labcorp Genetics (formerly Invitae), Labcorp
Classification: Uncertain significance. Last evaluated: 2024-11-28. Review status: criteria provided, single submitter. Criteria: Invitae Variant Classification Sherloc (09022015). Collection method: clinical testing. Allele origin: germline.
Comment: This sequence change replaces serine, which is neutral and polar, with proline, which is neutral and non-polar, at codon 163 of the KANK4 protein (p.Ser163Pro). This variant is present in population databases (rs770974117, gnomAD 0.02%). This variant has not been reported in the literature in individuals affected with KANK4-related conditions. An algorithm developed to predict the effect of missense changes on protein structure and function (PolyPhen-2) suggests that this variant is likely to be tolerated. In summary, the available evidence is currently insufficient to determine the role of this variant in disease. Therefore, it has been classified as a Variant of Uncertain Significance.

Ambry Genetics
Classification: Uncertain significance. Last evaluated: 2024-08-06. Review status: criteria provided, single submitter. Criteria: Ambry Variant Classification Scheme 2023. Collection method: clinical testing. Allele origin: germline.
Comment: Does not currently meet published gene-disease clinical validity criteria Based on insufficient or conflicting evidence, the clinical significance of this alteration remains unclear.

Literature cited by the submitters: PubMed 28106320 (cited by Ambry Genetics).